The following is an entry in ClinVar:

NM_000088.4(COL1A1):c.1811C>T (p.Pro604Leu)

Gene: COL1A1 (collagen type I alpha 1 chain; minus strand). Cytogenetic location: 17q21.33.
Variant type: single nucleotide variant.
Coding change: c.1811C>T on transcript NM_000088.4 (MANE Select); coding-DNA position 1811, C replaced by T.
Protein change: p.Pro604Leu; replaces proline 604 with leucine.
Molecular consequence: missense variant.
Genome position (GRCh38, 1-based): chr17:50,193,004, G>A on the plus strand (C>T on the coding strand, the complement: COL1A1 is on the minus strand). VCF-style: chr17-50193004-G-A. GRCh37 (hg19) VCF-style: chr17-48270365-G-A.
Other names: short protein forms P604L.
Identifiers: ClinVar variation 2700130 (VCV002700130.3), dbSNP rs374990175, ClinGen allele CA400214893.

ClinVar aggregate classification (germline): Uncertain significance (1 of 4 stars; one submission).

Conditions:
Osteogenesis imperfecta type I (OI1). Also called: Lobstein's Disease; Lobstein disease; OI, TYPE I; OSTEOGENESIS IMPERFECTA TARDA; OSTEOGENESIS IMPERFECTA WITH BLUE SCLERAE; Osteogenesis imperfecta type 1. Identifiers: Orphanet 216796, Orphanet 666, MedGen C0023931, MONDO:0008146, OMIM 166200. Disease mechanism: loss of function.

gnomAD v4.1: 1 of 1,614,138 alleles (0.000062%); no homozygotes.

Submission:

Labcorp Genetics (formerly Invitae), Labcorp
Classification: Uncertain significance for Osteogenesis imperfecta type I. Last evaluated: 2023-12-01. Review status: criteria provided, single submitter. Criteria: Invitae Variant Classification Sherloc (09022015). Collection method: clinical testing. Allele origin: germline.
Comment: This sequence change replaces proline, which is neutral and non-polar, with leucine, which is neutral and non-polar, at codon 604 of the COL1A1 protein (p.Pro604Leu). This variant is not present in population databases (gnomAD no frequency). This variant has not been reported in the literature in individuals affected with COL1A1-related conditions. Advanced modeling of protein sequence and biophysical properties (such as structural, functional, and spatial information, amino acid conservation, physicochemical variation, residue mobility, and thermodynamic stability) has been performed at Invitae for this missense variant, however the output from this modeling did not meet the statistical confidence thresholds required to predict the impact of this variant on COL1A1 protein function. In summary, the available evidence is currently insufficient to determine the role of this variant in disease. Therefore, it has been classified as a Variant of Uncertain Significance.